The following is an entry in ClinVar:

ClinVar aggregate classification (germline): Benign. Review status: criteria provided, multiple submitters, no conflicts (2 of 4 stars). 3 submissions from 3 submitters: Benign (3). Last evaluated 2021-07-14.

Conditions:
Hypokalemic periodic paralysis, type 1. Also called: HypoPP; Hypokalemic Periodic Paralysis Type 1 (AD). Identifiers: Orphanet 681, MedGen C3714580, MONDO:0042979, OMIM 170400.

Allele frequency attached by ClinVar (database versions not stated): gnomAD exomes 0.44155; gnomAD 0.46473 and 0.47132; TOPMed 0.48980; 1000 Genomes Project 30x 0.56558; 1000 Genomes Project 0.57149.
gnomAD v4.1: 633,081 of 1,421,418 alleles (45%); highest among the groups gnomAD compares: East Asian, 82%; 144,905 homozygotes.

Submissions (3):

Genome-Nilou Lab
Classification: Benign for Hypokalemic periodic paralysis, type 1. Last evaluated: 2021-07-14. Review status: criteria provided, single submitter. Criteria: ACMG Guidelines, 2015. Collection method: clinical testing. Allele origin: germline. Affected: no.

GeneDx
Classification: Benign. Last evaluated: 2018-06-18. Review status: criteria provided, single submitter. Criteria: GeneDx Variant Classification (06012015). Collection method: clinical testing. Allele origin: germline. Affected: yes.
Comment: This variant is considered likely benign or benign based on one or more of the following criteria: it is a conservative change, it occurs at a poorly conserved position in the protein, it is predicted to be benign by multiple in silico algorithms, and/or has population frequency not consistent with disease.

Breakthrough Genomics
Classification: Benign. Review status: criteria provided, single submitter. Criteria: ACMG Guidelines, 2015. Collection method: not provided. Allele origin: germline. Inheritance: Autosomal dominant inheritance. Affected: yes.

NM_000069.3(CACNA1S):c.153-61A>T

Gene: CACNA1S (calcium voltage-gated channel subunit alpha1 S; minus strand). Cytogenetic location: 1q32.1.
Variant type: single nucleotide variant.
Coding change: c.153-61A>T on transcript NM_000069.3 (MANE Select); 61 bases into the intron before coding-DNA position 153, A replaced by T.
Molecular consequence: intron variant.
Genome position (GRCh38, 1-based): chr1:201,110,330, T>A on the plus strand (A>T on the coding strand, the complement: CACNA1S is on the minus strand). VCF-style: chr1-201110330-T-A. GRCh37 (hg19) VCF-style: chr1-201079458-T-A.
Identifiers: ClinVar variation 678214 (VCV000678214.5), dbSNP rs1325309, ClinGen allele CA10697346.
Genomic context (GRCh38, chr1:201,110,330, plus strand): 5'-CTGGAGCCAGGGTTAAGGAGAGCCCTCGAGTGAGGCAAGGGACTTACAGGGTTAAGGGGA[T>A]GAGGGCGCTGAGGGTCAGTCTGGACTGTGACTCTGATGCCAGGCTGCTGGACAGGCTCAT-3'